The following is an entry in ClinVar:

NM_001903.5(CTNNA1):c.589-19G>C

Gene: CTNNA1 (catenin alpha 1; plus strand). Cytogenetic location: 5q31.2.
Variant type: single nucleotide variant.
Coding change: c.589-19G>C on transcript NM_001903.5 (MANE Select); 19 bases into the intron before coding-DNA position 589, G replaced by C.
Molecular consequence: intron variant.
Genome position (GRCh38, 1-based): chr5:138,824,511, G>C. VCF-style: chr5-138824511-G-C. GRCh37 (hg19) VCF-style: chr5-138160200-G-C.
Other names: c.589-19G>C (NM_001323982.2, NM_001323984.2, NM_001290307.3 and 3 more transcripts); c.220-19G>C (NM_001290310.3); c.280-19G>C (NM_001290309.3).
Identifiers: ClinVar variation 1558845 (VCV001558845.9), dbSNP rs2149775334, ClinGen allele CA2573139120.

ClinVar aggregate classification (germline): Likely benign. Review status: criteria provided, multiple submitters, no conflicts (2 of 4 stars). 2 submissions from 2 submitters: Likely benign (2). Last evaluated 2025-03-31.

Conditions:
Hereditary diffuse gastric adenocarcinoma (HDGC). Also called: DIFFUSE GASTRIC AND LOBULAR BREAST CANCER SYNDROME. Identifiers: Orphanet 26106, MedGen C1708349, MONDO:0007648, OMIM 137215.

Submissions (2):

Labcorp Genetics (formerly Invitae), Labcorp
Classification: Likely benign. Last evaluated: 2025-03-31. Review status: criteria provided, single submitter. Criteria: Invitae Variant Classification Sherloc (09022015). Collection method: clinical testing. Allele origin: germline.

Myriad Genetics, Inc.
Classification: Likely benign for Hereditary diffuse gastric adenocarcinoma. Last evaluated: 2024-10-10. Review status: criteria provided, single submitter. Criteria: Myriad Autosomal Dominant, Autosomal Recessive and X-Linked Classification Criteria (2023). Collection method: clinical testing. Allele origin: unknown.
Comment: This variant is considered likely benign. This variant is intronic and is not expected to impact mRNA splicing.